The following is an entry in ClinVar:

ClinVar aggregate classification (germline): Uncertain significance (1 of 4 stars; one submission).

Conditions:
von Willebrand disease type 2 (VWD2). Also called: VON WILLEBRAND DISEASE, TYPE 2A/IIE; VON WILLEBRAND DISEASE, TYPE 2CB; VON WILLEBRAND DISEASE, TYPE II; VWD, TYPE 2. Identifiers: Orphanet 166081, Orphanet 903, MedGen C1264040, MONDO:0013304, OMIM 613554.

gnomAD v4.1: 3 of 1,614,030 alleles (0.00019%); highest among the groups gnomAD compares: Non-Finnish European, 0.00025%; no homozygotes.

Submission:

Institute of Immunology and Genetics Kaiserslautern
Classification: Uncertain significance for von Willebrand disease type 2. Last evaluated: 2025-06-04. Review status: criteria provided, single submitter. Criteria: ACMG Guidelines, 2015. Collection method: clinical testing. Allele origin: germline. Affected: yes.
Comment: ACMG Criteria: PP2, PP3, PM2; Variant was found in heterozygous state.

NM_000552.5(VWF):c.4811T>G (p.Val1604Gly)

Gene: VWF (von Willebrand factor; minus strand). Cytogenetic location: 12p13.31.
Variant type: single nucleotide variant.
Coding change: c.4811T>G on transcript NM_000552.5 (MANE Select); coding-DNA position 4811, T replaced by G.
Protein change: p.Val1604Gly; replaces valine 1604 with glycine.
Molecular consequence: missense variant.
Genome position (GRCh38, 1-based): chr12:6,018,607, A>C on the plus strand (T>G on the coding strand, the complement: VWF is on the minus strand). VCF-style: chr12-6018607-A-C. GRCh37 (hg19) VCF-style: chr12-6127773-A-C.
Other names: short protein forms V1604G.
Identifiers: ClinVar variation 4074753 (VCV004074753.1).
Genomic context (GRCh38, chr12:6,018,607, plus strand): 5'-TGGATGTCTCCAGGCAGCCTCTTGATCTCATCAGAGGCAGGATTTCCGGTGACCATGTAG[A>C]CCAGGTTGGGCGCCTGCTCCCGGTCACCCTGGCTGACCAAGAAGCTGTGGTCAGAGAGGT-3'
Protein context (NP_000543.3, residues 1594-1614): QGDREQAPNL[Val1604Gly]YMVTGNPASD